The following is an entry in ClinVar:

ClinVar aggregate classification (germline): Uncertain significance (1 of 4 stars; one submission).

Conditions:
Drash syndrome (DDS). Also called: NEPHROPATHY, WILMS TUMOR, AND GENITAL ANOMALIES; WILMS TUMOR AND PSEUDO- OR TRUE HERMAPHRODITISM. Identifiers: Orphanet 220, MedGen C0950121, MONDO:0008682, OMIM 194080.
Frasier syndrome. Identifiers: Orphanet 347, MedGen C0950122, MeSH D052159, MONDO:0007635, OMIM 136680.
Wilms tumor 1 (WT1). Also called: Wilms tumor, somatic. Identifiers: Orphanet 654, MedGen CN033288, MONDO:0008679, OMIM 194070.
11p partial monosomy syndrome (WAGR). Also called: CHROMOSOME 11p13 DELETION SYNDROME; WAGR syndrome; WAGR Complex; WAGR Spectrum Disorder. Identifiers: Orphanet 893, MedGen C0206115, MONDO:0008681, OMIM 194072.

Submission:

Labcorp Genetics (formerly Invitae), Labcorp
Classification: Uncertain significance for Wilms tumor 1; Drash syndrome; 11p partial monosomy syndrome; Frasier syndrome. Last evaluated: 2022-02-17. Review status: criteria provided, single submitter. Criteria: Invitae Variant Classification Sherloc (09022015). Collection method: clinical testing. Allele origin: germline.
Comment: In summary, the available evidence is currently insufficient to determine the role of this variant in disease. Therefore, it has been classified as a Variant of Uncertain Significance. Algorithms developed to predict the effect of sequence changes on RNA splicing suggest that this variant may create or strengthen a splice site. Algorithms developed to predict the effect of missense changes on protein structure and function (SIFT, PolyPhen-2, Align-GVGD) all suggest that this variant is likely to be tolerated. This variant has not been reported in the literature in individuals affected with WT1-related conditions. This variant is not present in population databases (gnomAD no frequency). This sequence change replaces leucine, which is neutral and non-polar, with valine, which is neutral and non-polar, at codon 256 of the WT1 protein (p.Leu256Val).

NM_024426.6(WT1):c.781C>G (p.Leu261Val)

Gene: WT1 (WT1 transcription factor; minus strand). Cytogenetic location: 11p13.
Variant type: single nucleotide variant.
Coding change: c.781C>G on transcript NM_024426.6 (MANE Select); coding-DNA position 781, C replaced by G.
Protein change: p.Leu261Val; replaces leucine 261 with valine.
Molecular consequence: missense variant. On other transcripts: non-coding transcript variant (1).
Genome position (GRCh38, 1-based): chr11:32,428,500, G>C on the plus strand (C>G on the coding strand, the complement: WT1 is on the minus strand). VCF-style: chr11-32428500-G-C. GRCh37 (hg19) VCF-style: chr11-32450046-G-C.
Other names: c.781C>G, p.Leu261Val (NM_000378.6, NM_001407044.1, NM_001407045.1 and 4 more transcripts); c.130C>G, p.Leu44Val (NM_001198551.2, NM_001198552.2); c.19C>G, p.Leu7Val (NM_001407051.1); c.766C>G, p.Leu256Val (NM_024425.2); short protein forms L7V, L261V, L256V, L44V.
Identifiers: ClinVar variation 2097813 (VCV002097813.4), dbSNP rs1853139473, ClinGen allele CA379963257.